The following is an entry in ClinVar:

ClinVar aggregate classification (germline): Uncertain significance (1 of 4 stars; one submission).

Submission:

Ambry Genetics
Classification: Uncertain significance. Last evaluated: 2025-04-11. Review status: criteria provided, single submitter. Criteria: Ambry Variant Classification Scheme 2023. Collection method: clinical testing. Allele origin: germline.
Comment: The p.P682R variant (also known as c.2045C>G), located in coding exon 3 of the CDK12 gene, results from a C to G substitution at nucleotide position 2045. The proline at codon 682 is replaced by arginine, an amino acid with dissimilar properties. This amino acid position is conserved. In addition, the in silico prediction for this alteration is inconclusive. Based on the available evidence, the clinical significance of this variant remains unclear.

NM_016507.4(CDK12):c.2045C>G (p.Pro682Arg)

Gene: CDK12 (cyclin dependent kinase 12; plus strand). Cytogenetic location: 17q12.
Variant type: single nucleotide variant.
Coding change: c.2045C>G on transcript NM_016507.4 (MANE Select); coding-DNA position 2045, C replaced by G.
Protein change: p.Pro682Arg; replaces proline 682 with arginine.
Molecular consequence: missense variant.
Genome position (GRCh38, 1-based): chr17:39,490,670, C>G. VCF-style: chr17-39490670-C-G. GRCh37 (hg19) VCF-style: chr17-37646923-C-G.
Other names: c.2045C>G, p.Pro682Arg (NM_015083.4); short protein forms P682R.
Identifiers: ClinVar variation 3999343 (VCV003999343.1).